The following is an entry in ClinVar:

ClinVar aggregate classification (germline): Pathogenic (1 of 4 stars; one submission).

Conditions:
Primary ciliary dyskinesia. Also called: Ciliary dyskinesia. Identifiers: Orphanet 244, MedGen C0008780, MONDO:0016575, HP:0012265.

Submission:

Labcorp Genetics (formerly Invitae), Labcorp
Classification: Pathogenic for Primary ciliary dyskinesia. Last evaluated: 2025-11-03. Review status: criteria provided, single submitter. Criteria: Invitae Variant Classification Sherloc (09022015). Collection method: clinical testing. Allele origin: germline.
Comment: This sequence change creates a premature translational stop signal (p.Gly69Trpfs*19) in the DNAAF1 gene. It is expected to result in an absent or disrupted protein product. Loss-of-function variants in DNAAF1 are known to be pathogenic (PMID: 19944400, 19944405). This variant is not present in population databases (gnomAD no frequency). This variant has not been reported in the literature in individuals affected with DNAAF1-related conditions. ClinVar contains an entry for this variant (Variation ID: 2693009). For these reasons, this variant has been classified as Pathogenic.

Literature cited by the submitters: PubMed 19944400; PubMed 19944405.

NM_178452.6(DNAAF1):c.205_212del (p.Gly69fs)

Gene: DNAAF1 (dynein axonemal assembly factor 1; plus strand). Cytogenetic location: 16q24.1.
Variant type: Deletion.
Coding change: c.205_212del on transcript NM_178452.6 (MANE Select); coding-DNA positions 205 to 212, 8 bases deleted (GGGTCAGG; older notation c.205_212delGGGTCAGG).
Protein change: p.Gly69fs; shifts the reading frame from glycine 69.
Molecular consequence: frameshift variant.
Genome position (GRCh38, 1-based): chr16:84,149,087-84,149,094, GGGTCAGG deleted. VCF-style (leftmost placement, unchanged base first): chr16-84149086-TGGGTCAGG-T. GRCh37 (hg19) VCF-style: chr16-84182691-TGGGTCAGG-T.
Other names: short protein forms G69fs.
Identifiers: ClinVar variation 2693009 (VCV002693009.3), dbSNP rs2507335922, ClinGen allele CA2697555983.